The following is an entry in ClinVar:

NM_004370.6(COL12A1):c.5648G>A (p.Gly1883Asp)

Gene: COL12A1 (collagen type XII alpha 1 chain; minus strand). Cytogenetic location: 6q13.
Variant type: single nucleotide variant.
Coding change: c.5648G>A on transcript NM_004370.6 (MANE Select); coding-DNA position 5648, G replaced by A.
Protein change: p.Gly1883Asp; replaces glycine 1883 with aspartic acid.
Molecular consequence: missense variant.
Genome position (GRCh38, 1-based): chr6:75,133,874, C>T on the plus strand (G>A on the coding strand, the complement: COL12A1 is on the minus strand). VCF-style: chr6-75133874-C-T. GRCh37 (hg19) VCF-style: chr6-75843590-C-T.
Other names: c.5648G>A, p.Gly1883Asp (NM_001424113.1); c.5627G>A, p.Gly1876Asp (NM_001424114.1); c.5375G>A, p.Gly1792Asp (NM_001424115.1); c.2156G>A, p.Gly719Asp (NM_001424116.1, NM_080645.3); short protein forms G1792D, G1876D, G719D, G1883D.
Identifiers: ClinVar variation 4788009 (VCV004788009.1).

ClinVar aggregate classification (germline): Uncertain significance (1 of 4 stars; one submission).

Conditions:
Ullrich congenital muscular dystrophy 2 (UCMD2). Identifiers: Orphanet 75840, MedGen C4225314, MONDO:0014654, OMIM 616470.
Bethlem myopathy 2 (BTHLM2). Identifiers: Orphanet 536516, Orphanet 610, MedGen C4225313, MONDO:0034022, OMIM 616471.

gnomAD v4.1: 1 of 1,614,116 alleles (0.000062%); highest among the groups gnomAD compares: Admixed American, 0.0017%; no homozygotes.

Submission:

Labcorp Genetics (formerly Invitae), Labcorp
Classification: Uncertain significance for Bethlem myopathy 2; Ullrich congenital muscular dystrophy 2. Last evaluated: 2025-03-31. Review status: criteria provided, single submitter. Criteria: Invitae Variant Classification Sherloc (09022015). Collection method: clinical testing. Allele origin: germline.
Comment: This sequence change replaces glycine, which is neutral and non-polar, with aspartic acid, which is acidic and polar, at codon 1883 of the COL12A1 protein (p.Gly1883Asp). This variant is present in population databases (rs778968549, gnomAD 0.003%). This variant has not been reported in the literature in individuals affected with COL12A1-related conditions. An algorithm developed to predict the effect of missense changes on protein structure and function outputs the following: PolyPhen-2: "Possibly Damaging". The aspartic acid amino acid residue is found in multiple mammalian species, which suggests that this missense change does not adversely affect protein function. In summary, the available evidence is currently insufficient to determine the role of this variant in disease. Therefore, it has been classified as a Variant of Uncertain Significance.